The following is an entry in ClinVar:

ClinVar aggregate classification (germline): Likely pathogenic (1 of 4 stars; one submission).

Conditions:
Cardiomyopathy (CMYO). Also called: Cardiomyopathies. Identifiers: Orphanet 167848, MedGen C0878544, MONDO:0004994, HP:0001638. Inheritance: Various modes of inheritance.

Submission:

Color Diagnostics, LLC DBA Color Health
Classification: Likely pathogenic for Cardiomyopathy. Last evaluated: 2019-11-15. Review status: criteria provided, single submitter. Criteria: ACMG Guidelines, 2015. Collection method: clinical testing. Allele origin: germline.
Comment: This variant deletes 4 nucleotides in exon 24 of the DSP gene, creating a frameshift and premature translation stop signal. This variant is expected to result in an absent or non-functional protein product. Splice site prediction tools suggest that this variant may not impact RNA splicing. To our knowledge, functional studies have not been performed for this variant. This variant has not been reported in individuals affected with cardiovascular disorders in the literature. This variant has not been identified in the general population by the Genome Aggregation Database (gnomAD). Other truncations (p.Arg2166*, p.Lys2693Profs3, p.Thr2733Serfs14, p.Gln2765Alafs*23) that lie downstream of this variant have been reported in individuals affected with arrhythmogenic right ventricular cardiomyopathy (Clinvar). Based on the available evidence, this variant is classified as Likely Pathogenic.

NM_004415.4(DSP):c.6370_6373del (p.Leu2124fs)

Gene: DSP (desmoplakin; plus strand). Cytogenetic location: 6p24.3.
Variant type: Deletion.
Coding change: c.6370_6373del on transcript NM_004415.4 (MANE Select); coding-DNA positions 6370 to 6373, 4 bases deleted (CTGC; older notation c.6370_6373delCTGC).
Protein change: p.Leu2124fs; shifts the reading frame from leucine 2124.
Molecular consequence: frameshift variant.
Genome position (GRCh38, 1-based): chr6:7,583,632-7,583,635, CTGC deleted; deleting any 4 consecutive bases within chr6:7,583,630-7,583,635 gives the same sequence; the c. name uses the placement nearest the transcript's 3' end. VCF-style (leftmost placement, unchanged base first): chr6-7583629-CGCCT-C. GRCh37 (hg19) VCF-style: chr6-7583862-CGCCT-C.
Other names: c.4573_4576del, p.Leu1525fs (NM_001008844.3); c.5041_5044del, p.Leu1681fs (NM_001319034.2); short protein forms L1681fs, L2124fs, L1525fs.
Identifiers: ClinVar variation 921536 (VCV000921536.3), dbSNP rs1759529582, ClinGen allele CA1139659421.
Genomic context (GRCh38, chr6:7,583,629, plus strand): 5'-AAGACAGTATCTGTTTCAGAAGCCATCAAGAAAAATTTGATTGATAGAGAAACCGGAATG[CGCCT>C]GCTGGAAGCCCAGATTGCTTCAGGGGGTGTAGTAGACCCTGTGAACAGTGTCTTTTTGCC-3'